The following is an entry in ClinVar:

NM_003383.5(VLDLR):c.82+7G>A

Genes: VLDLR-AS1 (VLDLR antisense RNA 1; minus strand), VLDLR (very low density lipoprotein receptor; plus strand), LOC130001468 (ATAC-STARR-seq lymphoblastoid silent region 19733; plus strand). Cytogenetic location: 9p24.2.
Variant type: single nucleotide variant.
Coding change: c.82+7G>A on transcript NM_003383.5 (MANE Select); 7 bases into the intron after coding-DNA position 82, G replaced by A.
Molecular consequence: intron variant. On other transcripts: non-coding transcript variant (1).
Genome position (GRCh38, 1-based): chr9:2,622,278, G>A. VCF-style: chr9-2622278-G-A. GRCh37 (hg19) VCF-style: chr9-2622278-G-A.
Other names: p.?; c.82+7G>A (NM_001018056.3, NM_001322225.2, NM_001322226.2).
Identifiers: ClinVar variation 130713 (VCV000130713.25), dbSNP rs2219143, ClinGen allele CA155929.
Genomic context (GRCh38, chr9:2,622,278, plus strand): 5'-GGCTGCTGCTCGCGCTGTGCTGGGCGCCCCGGGAGAGCGGCGCCACCGGAACCGGTGAGT[G>A]AGGACGCGCCCCTCCGCCGGCGGGCGGGACCCAGCCGGGGCACCGGGAGACCCCGAGGCG-3'

ClinVar aggregate classification (germline): Benign. Review status: criteria provided, multiple submitters, no conflicts (2 of 4 stars). 9 submissions from 9 submitters: Benign (9). Last evaluated 2026-02-04.

Conditions:
Cerebellar ataxia, impaired intellectual development, and dysequilibrium syndrome 1. Also called: CEREBELLAR ATAXIA AND MENTAL RETARDATION WITH OR WITHOUT QUADRUPEDAL LOCOMOTION 1; CEREBELLAR ATAXIA, CONGENITAL, AND MENTAL RETARDATION, AUTOSOMAL RECESSIVE; VLDLR Cerebellar Hypoplasia; Cerebellar hypoplasia and mental retardation with or without quadrupedal locomotion 1; Cerebellar ataxia, intellectual disability, and dysequilibrium syndrome 1; Cerebellar ataxia, mental retardation, and dysequilibrium syndrome 1. Identifiers: Orphanet 1766, MedGen C4551552, MONDO:0024542, OMIM 224050.

Allele frequency attached by ClinVar (database versions not stated): TOPMed 0.31067; gnomAD 0.31376 and 0.31539; 1000 Genomes Project 30x 0.27623; 1000 Genomes Project 0.29493; ExAC 0.32138; gnomAD exomes 0.36868.
gnomAD v4.1: 547,773 of 1,478,472 alleles (37%); highest among the groups gnomAD compares: Admixed American, 42%; 105,755 homozygotes.

Submissions (9):

Labcorp Genetics (formerly Invitae), Labcorp
Classification: Benign. Last evaluated: 2026-02-04. Review status: criteria provided, single submitter. Criteria: Invitae Variant Classification Sherloc (09022015). Collection method: clinical testing. Allele origin: germline.

Blueprint Genetics
Classification: Benign. Last evaluated: 2024-11-27. Review status: criteria provided, single submitter. Criteria: ACMG Guidelines, 2015. Collection method: clinical testing. Allele origin: germline.

Mayo Clinic Laboratories, Mayo Clinic
Classification: Benign. Last evaluated: 2022-03-24. Review status: criteria provided, single submitter. Criteria: ACMG Guidelines, 2015. Collection method: clinical testing. Allele origin: germline. Observed: 599 variant alleles.

Genome-Nilou Lab
Classification: Benign for Cerebellar ataxia, impaired intellectual development, and dysequilibrium syndrome 1. Last evaluated: 2021-12-05. Review status: criteria provided, single submitter. Criteria: ACMG Guidelines, 2015. Collection method: clinical testing. Allele origin: germline. Affected: no.

Illumina Laboratory Services, Illumina
Classification: Benign for Cerebellar ataxia, impaired intellectual development, and dysequilibrium syndrome 1. Last evaluated: 2018-01-12. Review status: criteria provided, single submitter. Criteria: ICSL Variant Classification Criteria 13 December 2019. Collection method: clinical testing. Allele origin: germline.
Comment: This variant was observed in the ICSL laboratory as part of a predisposition screen in an ostensibly healthy population. It had not been previously curated by ICSL or reported in the Human Gene Mutation Database (HGMD: prior to June 1st, 2018), and was therefore a candidate for classification through an automated scoring system. Utilizing variant allele frequency, disease prevalence and penetrance estimates, and inheritance mode, an automated score was calculated to assess if this variant is too frequent to cause the disease. Based on the score and internal cut-off values, a variant classified as benign is not then subjected to further curation. The score for this variant resulted in a classification of benign for this disease.

Eurofins Ntd Llc (ga)
Classification: Benign. Last evaluated: 2015-06-24. Review status: criteria provided, single submitter. Criteria: EGL Classification Definitions 2015. Collection method: clinical testing. Allele origin: germline. Observed: 5 variant alleles, 3 heterozygotes, 2 homozygotes.

Genetic Services Laboratory, University of Chicago
Classification: Benign. Last evaluated: 2015-02-11. Review status: criteria provided, single submitter. Criteria: ACMG Guidelines, 2015. Collection method: clinical testing. Allele origin: germline.

GeneDx
Classification: Benign. Last evaluated: 2013-10-31. Review status: criteria provided, single submitter. Criteria: GeneDx Variant Classification (06012015). Collection method: clinical testing. Allele origin: germline. Affected: yes.
Comment: This variant is considered likely benign or benign based on one or more of the following criteria: it is a conservative change, it occurs at a poorly conserved position in the protein, it is predicted to be benign by multiple in silico algorithms, and/or has population frequency not consistent with disease.

Breakthrough Genomics
Classification: Benign. Review status: criteria provided, single submitter. Criteria: ACMG Guidelines, 2015. Collection method: not provided. Allele origin: germline. Inheritance: Autosomal recessive inheritance. Affected: yes.